The following is an entry in ClinVar:

ClinVar aggregate classification (germline): Uncertain significance (1 of 4 stars; one submission).

gnomAD v4.1: 6 of 1,471,002 alleles (0.00041%); highest among the groups gnomAD compares: African/African-American, 0.0015%; no homozygotes.

Submission:

Ambry Genetics
Classification: Uncertain significance. Last evaluated: 2024-12-06. Review status: criteria provided, single submitter. Criteria: Ambry Variant Classification Scheme 2023. Collection method: clinical testing. Allele origin: germline.
Comment: The p.V107M variant (also known as c.319G>A), located in coding exon 1 of the PALLD gene, results from a G to A substitution at nucleotide position 319. The valine at codon 107 is replaced by methionine, an amino acid with highly similar properties. This amino acid position is conserved. In addition, this alteration is predicted to be tolerated by in silico analysis. Based on the available evidence, the clinical significance of this variant remains unclear.

NM_001166108.2(PALLD):c.1965-12712G>A

Gene: PALLD (palladin, cytoskeletal associated protein; plus strand). Cytogenetic location: 4q32.3.
Variant type: single nucleotide variant.
Coding change: c.1965-12712G>A on transcript NM_001166108.2 (MANE Select); 12712 bases into the intron before coding-DNA position 1965, G replaced by A.
Molecular consequence: intron variant. On other transcripts: missense variant (1).
Genome position (GRCh38, 1-based): chr4:168,878,210, G>A. VCF-style: chr4-168878210-G-A. GRCh37 (hg19) VCF-style: chr4-169799361-G-A.
Other names: c.319G>A, p.Val107Met (NM_001166110.2); c.1965-12712G>A (NM_016081.4); c.819-12712G>A (NM_001166109.2); c.-157-12712G>A (NM_001367570.1, NM_001367568.1, NM_001367567.1 and 1 more transcripts); short protein forms V107M.
Identifiers: ClinVar variation 3413718 (VCV003413718.1).
Genomic context (GRCh38, chr4:168,878,210, plus strand): 5'-TCGCCCCCGCCCCCGCCACCCCCGGTCTTCAGCCCCACGGCTGCCTTCCCGGTGCCCGAC[G>A]TGTTCCCACTGCCGCCGCCACCACCGCCGCTCCCGAGCCCGGGACAGGCGTCCCACTGCT-3'